The following is an entry in ClinVar:

ClinVar aggregate classification (germline): Likely pathogenic. Review status: reviewed by expert panel (3 of 4 stars). 4 submissions from 4 submitters: Likely pathogenic (1). 3 of the submissions do not count toward it. Last evaluated 2021-03-12.

Conditions:
Phenylketonuria (PKU). Also called: OLIGOPHRENIA PHENYLPYRUVICA; Phenylketonurias; FOLLING DISEASE; Phenylketonuria (PKU). Identifiers: Orphanet 716, MedGen C0031485, MONDO:0009861, OMIM 261600. Disease mechanism: loss of function.

Allele frequency attached by ClinVar (database versions not stated): gnomAD exomes below 0.00001.
gnomAD v4.1: 11 of 1,613,986 alleles (0.00068%); highest among the groups gnomAD compares: Non-Finnish European, 0.00093%; no homozygotes.

Submissions (4):

ClinGen PAH Variant Curation Expert Panel
Classification: Likely pathogenic for Phenylketonuria. Last evaluated: 2021-03-12. Review status: reviewed by expert panel. Criteria: ClinGen PAH ACMG Specifications v1. Collection method: curation. Allele origin: germline. Inheritance: Autosomal recessive inheritance.
Comment: The c.1247C>A (p.Pro416Gln) variant in PAH has been reported in 2 patients with mild PKU (PP4; PMID: 27413125, 31623983). This variant has been detected with pathogenic variants: p.I306V (PMID: 23430547) and c.664_665del (PMID: 17502162) (PM3). This variant has an extremely low frequency in gnomAD (MAF=0.000008792, PM2), and is predicted deleterious by SIFT, PolyPhen2, MutationTaster, and REVEL = 0.986 (PP3). This variant was shown to retain enzyme activity, but unfolds at a faster rate than WT (PMID: 18937047). In summary, this variant meets criteria to be classified as likely pathogenic for PAH. PAH-specific ACMG/AMP criteria applied: PM2, PM3, PP3, PP4.

Myriad Genetics, Inc.
Classification: Likely pathogenic for Phenylketonuria. Last evaluated: 2025-08-22. Review status: criteria provided, single submitter. Criteria: Myriad Autosomal Dominant, Autosomal Recessive and X-Linked Classification Criteria (2023). Collection method: clinical testing. Allele origin: unknown. Not counted in ClinVar's aggregate classification.
Comment: NM_000277.1(PAH):c.1247C>A(P416Q) is a missense variant classified as likely pathogenic in the context of phenylalanine hydroxylase deficiency. P416Q has been observed in cases with relevant disease (PMID: 40473815, 18937047, 23430547). Relevant functional assessments of this variant are not available in the literature. P416Q has been observed in referenced population frequency databases. In summary, NM_000277.1(PAH):c.1247C>A(P416Q) is a missense variant that has been observed more frequently in cases with the relevant disease than in healthy populations. Please note: this variant was assessed in the context of healthy population screening.

Labcorp Genetics (formerly Invitae), Labcorp
Classification: Pathogenic for Phenylketonuria. Last evaluated: 2024-08-02. Review status: criteria provided, single submitter. Criteria: Invitae Variant Classification Sherloc (09022015). Collection method: clinical testing. Allele origin: germline. Not counted in ClinVar's aggregate classification.
Comment: This sequence change replaces proline, which is neutral and non-polar, with glutamine, which is neutral and polar, at codon 416 of the PAH protein (p.Pro416Gln). This variant is present in population databases (no rsID available, gnomAD 0.0009%). This missense change has been observed in individual(s) with hyperphenylalaninemia (PMID: 18937047, 23430547; Invitae). In at least one individual the data is consistent with being in trans (on the opposite chromosome) from a pathogenic variant. ClinVar contains an entry for this variant (Variation ID: 558091). Advanced modeling of protein sequence and biophysical properties (such as structural, functional, and spatial information, amino acid conservation, physicochemical variation, residue mobility, and thermodynamic stability) performed at Invitae indicates that this missense variant is expected to disrupt PAH protein function with a positive predictive value of 80%. Experimental studies are conflicting or provide insufficient evidence to determine the effect of this variant on PAH function (PMID: 18937047). For these reasons, this variant has been classified as Pathogenic.

Counsyl
Classification: Uncertain significance for Phenylketonuria. Last evaluated: 2018-05-01. Review status: no assertion criteria provided. Collection method: clinical testing. Allele origin: unknown. Not counted in ClinVar's aggregate classification.

Literature cited by the submitters: PubMed 18937047 (cited by 3 submitters); PubMed 23430547 (cited by 3 submitters); PubMed 40473815 (cited by Myriad Genetics, Inc.).

NM_000277.3(PAH):c.1247C>A (p.Pro416Gln)

Gene: PAH (phenylalanine hydroxylase; minus strand). Cytogenetic location: 12q23.2.
Variant type: single nucleotide variant.
Coding change: c.1247C>A on transcript NM_000277.3 (MANE Select); coding-DNA position 1247, C replaced by A.
Protein change: p.Pro416Gln; replaces proline 416 with glutamine.
Molecular consequence: missense variant.
Genome position (GRCh38, 1-based): chr12:102,840,468, G>T on the plus strand (C>A on the coding strand, the complement: PAH is on the minus strand). VCF-style: chr12-102840468-G-T. GRCh37 (hg19) VCF-style: chr12-103234246-G-T.
Other names: c.1247C>A, p.Pro416Gln (NM_001354304.2); short protein forms P416Q.
Identifiers: ClinVar variation 558091 (VCV000558091.12), dbSNP rs1445893088, ClinGen allele CA16020981.
Genomic context (GRCh38, chr12:102,840,468, plus strand): 5'-GAATCAGCCAAAATCTTAAGCTGCTGGGTATTGTCCAAGACCTCAATCCTTTGGGTGTAT[G>T]GGTCGTAGCGAACTGAGAAGGGCCGAGGTATTGTGGCAGCAAAGTTCCTAAGACCAAAAC-3'
Protein context (NP_000268.1, residues 406-426): IPRPFSVRYD[Pro416Gln]YTQRIEVLDN